The following is an entry in ClinVar:

NM_000143.4(FH):c.231del (p.Met77fs)

Gene: FH (fumarate hydratase; minus strand). Cytogenetic location: 1q43.
Variant type: Deletion.
Coding change: c.231del on transcript NM_000143.4 (MANE Select); coding-DNA position 231, one base deleted (G; older notation c.231delG).
Protein change: p.Met77fs; shifts the reading frame from methionine 77.
Molecular consequence: frameshift variant.
Genome position (GRCh38, 1-based): chr1:241,517,218, C deleted on the plus strand (G on the coding strand, the reverse complement: FH is on the minus strand). VCF-style (leftmost placement, unchanged base first): chr1-241517217-TC-T. GRCh37 (hg19) VCF-style: chr1-241680517-TC-T.
Other names: c.231delG, p.Met77Ilefs (NM_000143.3); short protein forms M77fs.
Identifiers: ClinVar variation 4068077 (VCV004068077.2).

ClinVar aggregate classification (germline): Likely pathogenic (1 of 4 stars; one submission).

Conditions:
Fumarase deficiency (FMRD). Also called: Fumaric aciduria; Fumarate Hydratase Deficiency. Identifiers: Orphanet 24, MedGen C0342770, MONDO:0011730, OMIM 606812.

Submission:

Natera, Inc.
Classification: Likely pathogenic for Fumarase Deficiency. Last evaluated: 2025-04-07. Review status: criteria provided, single submitter. Criteria: Natera Variant Classification Schema (03/2026). Collection method: clinical testing. Allele origin: germline.
Comment: The c.231del variant in FH is a frameshift variant predicted to shift the reading frame beginning at codon 77 and leads to a stop codon 8 codons downstream. This variant is expected to result in nonsense mediated decay, truncation, or a dysfunctional protein product. This variant is rare in the general population with a frequency below the threshold expected for the associated phenotype(s). Given the available evidence, this variant is classified as Likely Pathogenic.